The following is an entry in ClinVar:

ClinVar aggregate classification (germline): Conflicting classifications of pathogenicity. Review status: criteria provided, conflicting classifications (1 of 4 stars). 6 submissions from 6 submitters: Uncertain significance (4); Likely benign (1). 1 of the submissions does not count toward it. Last evaluated 2024-03-01.

Conditions:
Retinal dystrophy. Also called: Inherited retinal dystrophy. Identifiers: Orphanet 71862, MedGen C0854723, MeSH D058499, MONDO:0019118, HP:0000556.
Inborn genetic diseases. Identifiers: MedGen C0950123, MeSH D030342.
Leber congenital amaurosis (LCA). Also called: Leber's amaurosis. Identifiers: Orphanet 65, MedGen C0339527, MeSH D057130, MONDO:0018998.
Retinitis pigmentosa 12 (RP12). Also called: RP WITH OR WITHOUT PPRPE; RP WITH OR WITHOUT PRESERVED PARAARTERIOLE RETINAL PIGMENT EPITHELIUM; RETINITIS PIGMENTOSA WITH OR WITHOUT PARAARTERIOLAR PRESERVATION OF RETINAL PIGMENT EPITHELIUM. Identifiers: Orphanet 791, MedGen C1838647, MONDO:0010818, OMIM 600105.
Leber congenital amaurosis 8 (LCA8). Identifiers: Orphanet 65, MedGen C3151202, MONDO:0013453, OMIM 613835.

Allele frequency attached by ClinVar (database versions not stated): TOPMed 0.00004; 1000 Genomes Project 30x 0.00031; 1000 Genomes Project 0.00040.
gnomAD v4.1: 83 of 1,614,156 alleles (0.0051%); highest among the groups gnomAD compares: East Asian, 0.038%; 1 homozygote.

Submissions (6):

Ambry Genetics
Classification: Uncertain significance for Inborn genetic diseases. Last evaluated: 2024-03-01. Review status: criteria provided, single submitter. Criteria: Ambry Variant Classification Scheme 2023. Collection method: clinical testing. Allele origin: germline.

Dept Of Ophthalmology, Nagoya University
Classification: Uncertain significance for Retinal dystrophy. Last evaluated: 2023-10-01. Review status: criteria provided, single submitter. Criteria: Submitter's publication. Collection method: research. Allele origin: germline. Affected: yes.

Blueprint Genetics
Classification: Likely benign. Last evaluated: 2022-09-01. Review status: criteria provided, single submitter. Criteria: ACMG Guidelines, 2015. Collection method: clinical testing. Allele origin: germline.

Labcorp Genetics (formerly Invitae), Labcorp
Classification: Uncertain significance for Leber congenital amaurosis 8; Retinitis pigmentosa 12. Last evaluated: 2022-07-25. Review status: criteria provided, single submitter. Criteria: Invitae Variant Classification Sherloc (09022015). Collection method: clinical testing. Allele origin: germline.
Comment: This sequence change replaces arginine, which is basic and polar, with cysteine, which is neutral and slightly polar, at codon 365 of the CRB1 protein (p.Arg365Cys). This variant is present in population databases (rs116347915, gnomAD 0.05%). This variant has not been reported in the literature in individuals affected with CRB1-related conditions. ClinVar contains an entry for this variant (Variation ID: 971419). Advanced modeling of protein sequence and biophysical properties (such as structural, functional, and spatial information, amino acid conservation, physicochemical variation, residue mobility, and thermodynamic stability) performed at Invitae indicates that this missense variant is not expected to disrupt CRB1 protein function. In summary, the available evidence is currently insufficient to determine the role of this variant in disease. Therefore, it has been classified as a Variant of Uncertain Significance.

Breakthrough Genomics
Classification: Uncertain significance. Review status: criteria provided, single submitter. Criteria: ACMG Guidelines, 2015. Collection method: not provided. Allele origin: germline. Inheritance: Autosomal recessive inheritance. Affected: yes.

Natera, Inc.
Classification: Uncertain significance for Leber congenital amaurosis. Last evaluated: 2020-01-18. Review status: no assertion criteria provided. Collection method: clinical testing. Allele origin: germline. Not counted in ClinVar's aggregate classification.

NM_201253.3(CRB1):c.1093C>T (p.Arg365Cys)

Gene: CRB1 (crumbs cell polarity complex component 1; plus strand). Cytogenetic location: 1q31.3.
Variant type: single nucleotide variant.
Coding change: c.1093C>T on transcript NM_201253.3 (MANE Select); coding-DNA position 1093, C replaced by T.
Protein change: p.Arg365Cys; replaces arginine 365 with cysteine.
Molecular consequence: missense variant. On other transcripts: non-coding transcript variant (2).
Genome position (GRCh38, 1-based): chr1:197,356,935, C>T. VCF-style: chr1-197356935-C-T. GRCh37 (hg19) VCF-style: chr1-197326065-C-T.
Other names: c.757C>T, p.Arg253Cys (NM_001193640.2); c.886C>T, p.Arg296Cys (NM_001257965.2); c.1093C>T, p.Arg365Cys (NM_001257966.2); short protein forms R253C, R365C, R296C.
Identifiers: ClinVar variation 971419 (VCV000971419.9), dbSNP rs116347915, ClinGen allele CA1311802.